The following is an entry in ClinVar:

NM_004360.5(CDH1):c.2629G>T (p.Gly877Ter)

Gene: CDH1 (cadherin 1; plus strand). Cytogenetic location: 16q22.1.
Variant type: single nucleotide variant.
Coding change: c.2629G>T on transcript NM_004360.5 (MANE Select); coding-DNA position 2629, G replaced by T.
Protein change: p.Gly877Ter; replaces glycine 877 with a stop codon.
Molecular consequence: nonsense.
Genome position (GRCh38, 1-based): chr16:68,833,479, G>T. VCF-style: chr16-68833479-G-T. GRCh37 (hg19) VCF-style: chr16-68867382-G-T.
Other names: c.2446G>T, p.Gly816Ter (NM_001317184.2); c.1081G>T, p.Gly361Ter (NM_001317185.2); c.664G>T, p.Gly222Ter (NM_001317186.2); short protein forms G222*, G361*, G816*, G877*.
Identifiers: ClinVar variation 3224182 (VCV003224182.1), dbSNP rs555842031, ClinGen allele CA396472857.
Genomic context (GRCh38, chr16:68,833,479, plus strand): 5'-CAGGACTATGACTACTTGAACGAATGGGGCAATCGCTTCAAGAAGCTGGCTGACATGTAC[G>T]GAGGCGGCGAGGACGACTAGGGGACTCGAGAGAGGCGGGCCCCAGACCCATGTGCTGGGA-3'

ClinVar aggregate classification (germline): Uncertain significance (1 of 4 stars; one submission).

Conditions:
Hereditary cancer-predisposing syndrome. Also called: Tumor predisposition; Hereditary neoplastic syndrome; Hereditary Cancer Syndrome; Neoplastic Syndromes, Hereditary. Identifiers: Orphanet 140162, MedGen C0027672, MeSH D009386, MONDO:0015356.

Submission:

Ambry Genetics
Classification: Uncertain significance for Hereditary cancer-predisposing syndrome. Last evaluated: 2023-11-22. Review status: criteria provided, single submitter. Criteria: Ambry Variant Classification Scheme 2023. Collection method: clinical testing. Allele origin: germline.
Comment: The p.G877* variant (also known as c.2629G>T), located in coding exon 16 of the CDH1 gene, results from a G to T substitution at nucleotide position 2629. This changes the amino acid from a glycine to a stop codon within coding exon 16. This alteration occurs at the 3' terminus of theCDH1 gene, is not expected to trigger nonsense-mediated mRNAdecay, and only impacts the last 6 amino acids of the protein. The exact functional effect of this alteration is unknown. Since supporting evidence is limited at this time, the clinical significance of this alteration remains unclear.